The following is an entry in ClinVar:

NM_001267550.2(TTN):c.45564_45567dup (p.Val15190fs)

Genes: TTN (titin; minus strand), LOC126806427 (BRD4-independent group 4 enhancer GRCh37_chr2:179485777-179486976; plus strand). Cytogenetic location: 2q31.2.
Variant type: Duplication.
Coding change: c.45564_45567dup on transcript NM_001267550.2 (MANE Select); coding-DNA positions 45564 to 45567, 4 bases duplicated (TTAC; older notation c.45564_45567dupTTAC).
Protein change: p.Val15190fs; shifts the reading frame from valine 15190.
Molecular consequence: frameshift variant.
Genome position (GRCh38, 1-based): chr2:178,621,151-178,621,154, GTAA duplicated on the plus strand (TTAC on the coding strand, the reverse complement: TTN is on the minus strand); duplicating any 4 consecutive bases within chr2:178,621,151-178,621,156 gives the same sequence; the c. name uses the placement nearest the transcript's 3' end. VCF-style (leftmost placement, unchanged base first): chr2-178621150-C-CGTAA. GRCh37 (hg19) VCF-style: chr2-179485877-C-CGTAA.
Other names: c.40641_40644dup, p.Val13549fs (NM_001256850.1); c.18369_18372dup, p.Val6125fs (NM_003319.4); c.37860_37863dup, p.Val12622fs (NM_133378.4); c.18744_18747dup, p.Val6250fs (NM_133432.3); c.18945_18948dup, p.Val6317fs (NM_133437.4); short protein forms V12622fs, V6125fs, V6250fs, V13549fs, V15190fs, V6317fs.
Identifiers: ClinVar variation 1473117 (VCV001473117.9), dbSNP rs2154211664, ClinGen allele CA2573133808.

ClinVar aggregate classification (germline): Likely pathogenic (1 of 4 stars; one submission).

Conditions:
Dilated cardiomyopathy 1G (CMD1G). Identifiers: Orphanet 154, MedGen C1858763, MONDO:0011400, OMIM 604145.
Autosomal recessive limb-girdle muscular dystrophy type 2J (LGMDR10). Also called: MUSCULAR DYSTROPHY, LIMB-GIRDLE, AUTOSOMAL RECESSIVE 10; Limb-girdle muscular dystrophy, type 2J. Identifiers: Orphanet 140922, MedGen C1837342, MONDO:0012127, OMIM 608807.

Submission:

Labcorp Genetics (formerly Invitae), Labcorp
Classification: Likely pathogenic for Dilated cardiomyopathy 1G; Autosomal recessive limb-girdle muscular dystrophy type 2J. Last evaluated: 2025-09-23. Review status: criteria provided, single submitter. Criteria: Invitae Variant Classification Sherloc (09022015). Collection method: clinical testing. Allele origin: germline.
Comment: This sequence change creates a premature translational stop signal (p.Val15190Leufs*18) in the TTN gene. While this is not anticipated to result in nonsense mediated decay, it is expected to create a truncated TTN protein. This variant is not present in population databases (gnomAD no frequency). This variant has not been observed in the literature in individuals with autosomal recessive TTN-related conditions. This variant has been reported in individual(s) with dilated cardiomyopathy (PMID: 31317183); however, the role of the variant in this condition is currently unclear. This variant is also known as c.18372_18373insTTAC (p.Val6125Leufs*18). ClinVar contains an entry for this variant (Variation ID: 1473117). This variant is located in the I band of TTN (PMID: 25589632). Truncating variants in this region have been reported in individuals affected with autosomal recessive centronuclear myopathy (PMID: 23975875, internal data). Truncating variants in this region have also been identified in individuals affected with autosomal dominant dilated cardiomyopathy and/or cardio-related conditions (PMID: 27869827, 32964742, internal data). In summary, the currently available evidence indicates that the variant is pathogenic, but additional data are needed to prove that conclusively. Therefore, this variant has been classified as Likely Pathogenic.

Literature cited by the submitters: PubMed 31317183; PubMed 25589632; PubMed 23975875; PubMed 27869827; PubMed 32964742.